The following is an entry in ClinVar:

NM_000238.4(KCNH2):c.854C>T (p.Ala285Val)

Gene: KCNH2 (potassium voltage-gated channel subfamily H member 2; minus strand). Cytogenetic location: 7q36.1.
Variant type: single nucleotide variant.
Coding change: c.854C>T on transcript NM_000238.4 (MANE Select); coding-DNA position 854, C replaced by T.
Protein change: p.Ala285Val; replaces alanine 285 with valine.
Molecular consequence: missense variant.
Genome position (GRCh38, 1-based): chr7:150,958,121, G>A on the plus strand (C>T on the coding strand, the complement: KCNH2 is on the minus strand). VCF-style: chr7-150958121-G-A. GRCh37 (hg19) VCF-style: chr7-150655209-G-A.
Other names: p.Ala285Val; c.566C>T, p.Ala189Val (NM_001406753.1, NM_001406756.1); c.677C>T, p.Ala226Val (NM_001406755.1); c.554C>T, p.Ala185Val (NM_001406757.1); c.854C>T, p.Ala285Val (NM_172056.3); short protein forms A285V, A189V, A226V, A185V.
Identifiers: ClinVar variation 1374457 (VCV001374457.12), dbSNP rs947793868, ClinGen allele CA169081199.

ClinVar aggregate classification (germline): Conflicting classifications of pathogenicity. Review status: criteria provided, conflicting classifications (1 of 4 stars). 4 submissions from 4 submitters: Uncertain significance (3); Likely benign (1). Last evaluated 2025-02-24.

Conditions:
Long QT syndrome (LQTS). Identifiers: MedGen C0023976, MeSH D008133, MONDO:0002442. Disease mechanism: loss of function. Inheritance: Various modes of inheritance.
Cardiovascular phenotype. Identifiers: MedGen CN230736.

Allele frequency attached by ClinVar (database versions not stated): TOPMed 0.00001; gnomAD exomes 0.00003.

Submissions (4):

Mayo Clinic Laboratories, Mayo Clinic
Classification: Uncertain significance. Last evaluated: 2025-02-24. Review status: criteria provided, single submitter. Criteria: ACMG Guidelines, 2015. Collection method: clinical testing. Allele origin: germline. Observed: 2 variant alleles.

Labcorp Genetics (formerly Invitae), Labcorp
Classification: Uncertain significance for Long QT syndrome. Last evaluated: 2023-06-05. Review status: criteria provided, single submitter. Criteria: Invitae Variant Classification Sherloc (09022015). Collection method: clinical testing. Allele origin: germline.
Comment: In summary, the available evidence is currently insufficient to determine the role of this variant in disease. Therefore, it has been classified as a Variant of Uncertain Significance. An algorithm developed to predict the effect of missense changes on protein structure and function (PolyPhen-2) suggests that this variant¬†is likely to be tolerated. ClinVar contains an entry for this variant (Variation ID: 1374457). This variant has not been reported in the literature in individuals affected with KCNH2-related conditions. This variant is not present in population databases (gnomAD no frequency). This sequence change replaces alanine, which is neutral and non-polar, with valine, which is neutral and non-polar, at codon 285 of the KCNH2 protein (p.Ala285Val).

Blueprint Genetics
Classification: Likely benign. Last evaluated: 2021-09-02. Review status: criteria provided, single submitter. Criteria: ACMG Guidelines, 2015. Collection method: clinical testing. Allele origin: germline.

Ambry Genetics
Classification: Uncertain significance for Cardiovascular phenotype. Last evaluated: 2020-03-23. Review status: criteria provided, single submitter. Criteria: Ambry Variant Classification Scheme 2023. Collection method: clinical testing. Allele origin: germline.
Comment: The p.A285V variant (also known as c.854C>T), located in coding exon 4 of the KCNH2 gene, results from a C to T substitution at nucleotide position 854. The alanine at codon 285 is replaced by valine, an amino acid with similar properties, and is located in the N terminal domain. This amino acid position is not well conserved in available vertebrate species, and valine is the reference amino acid in other vertebrate species. In addition, the in silico prediction for this alteration is inconclusive. Since supporting evidence is limited at this time, the clinical significance of this alteration remains unclear.